The following is an entry in ClinVar:

ClinVar aggregate classification (germline): Uncertain significance (1 of 4 stars; one submission).

Conditions:
Autosomal recessive hypophosphatemic bone disease (HHRH). Also called: HYPERCALCIURIC RICKETS; Hypophosphatemic rickets with hypercalciuria. Identifiers: Orphanet 157215, MedGen C1853271, MONDO:0009431, OMIM 241530.

Submission:

MVZ Medizinische Genetik Mainz
Classification: Uncertain significance for Autosomal recessive hypophosphatemic bone disease. Last evaluated: 2023-12-06. Review status: criteria provided, single submitter. Criteria: UK Practice Guidelines For Variant Classification V4 01 2020. Collection method: clinical testing. Allele origin: germline. Inheritance: Autosomal dominant inheritance. Affected: yes. Observed: 1 variant allele.
Comment: ACMG Criteria: PM2_SUP,PM3_SUP

NM_001177316.2(SLC34A3):c.1336G>A (p.Val446Ile)

Gene: SLC34A3 (solute carrier family 34 member 3; plus strand). Cytogenetic location: 9q34.3.
Variant type: single nucleotide variant.
Coding change: c.1336G>A on transcript NM_001177316.2 (MANE Select); coding-DNA position 1336, G replaced by A.
Protein change: p.Val446Ile; replaces valine 446 with isoleucine.
Molecular consequence: missense variant.
Genome position (GRCh38, 1-based): chr9:137,235,952, G>A. VCF-style: chr9-137235952-G-A. GRCh37 (hg19) VCF-style: chr9-140130404-G-A.
Other names: c.1336G>A, p.Val446Ile (NM_001177317.2, NM_080877.3); short protein forms V446I.
Identifiers: ClinVar variation 4857296 (VCV004857296.1).